The following is an entry in ClinVar:

NM_203447.4(DOCK8):c.4217G>C (p.Arg1406Pro)

Gene: DOCK8 (dedicator of cytokinesis 8; plus strand). Cytogenetic location: 9p24.3.
Variant type: single nucleotide variant.
Coding change: c.4217G>C on transcript NM_203447.4 (MANE Select); coding-DNA position 4217, G replaced by C.
Protein change: p.Arg1406Pro; replaces arginine 1406 with proline.
Molecular consequence: missense variant.
Genome position (GRCh38, 1-based): chr9:422,111, G>C. VCF-style: chr9-422111-G-C. GRCh37 (hg19) VCF-style: chr9-422111-G-C.
Other names: c.3917G>C, p.Arg1306Pro (NM_001190458.2); c.4013G>C, p.Arg1338Pro (NM_001193536.2); short protein forms R1306P, R1338P, R1406P.
Identifiers: ClinVar variation 1363771 (VCV001363771.8), dbSNP rs1564048056, ClinGen allele CA372764832.

ClinVar aggregate classification (germline): Uncertain significance (1 of 4 stars; one submission).

Conditions:
Combined immunodeficiency due to DOCK8 deficiency (HIES2). Also called: Hyper-IgE recurrent infection syndrome, autosomal recessive; HIES autosomal recessive; DOCK8 Deficiency; HYPER-IgE RECURRENT INFECTION SYNDROME 2, AUTOSOMAL RECESSIVE; HYPER-IgE SYNDROME 2, AUTOSOMAL RECESSIVE, WITH RECURRENT INFECTIONS. Identifiers: Orphanet 217390, MedGen C4722305, MONDO:0009478, OMIM 243700.

Submission:

Labcorp Genetics (formerly Invitae), Labcorp
Classification: Uncertain significance for Combined immunodeficiency due to DOCK8 deficiency. Last evaluated: 2021-01-09. Review status: criteria provided, single submitter. Criteria: Invitae Variant Classification Sherloc (09022015). Collection method: clinical testing. Allele origin: germline.
Comment: In summary, the available evidence is currently insufficient to determine the role of this variant in disease. Therefore, it has been classified as a Variant of Uncertain Significance. Algorithms developed to predict the effect of missense changes on protein structure and function (SIFT, PolyPhen-2, Align-GVGD) all suggest that this variant is likely to be disruptive, but these predictions have not been confirmed by published functional studies and their clinical significance is uncertain. This variant has not been reported in the literature in individuals with DOCK8-related conditions. This variant is not present in population databases (ExAC no frequency). This sequence change replaces arginine with proline at codon 1406 of the DOCK8 protein (p.Arg1406Pro). The arginine residue is highly conserved and there is a moderate physicochemical difference between arginine and proline.